The following is an entry in ClinVar:

NM_182914.3(SYNE2):c.10303G>T (p.Asp3435Tyr)

Gene: SYNE2 (spectrin repeat containing nuclear envelope protein 2; plus strand). Cytogenetic location: 14q23.2.
Variant type: single nucleotide variant.
Coding change: c.10303G>T on transcript NM_182914.3 (MANE Select); coding-DNA position 10303, G replaced by T.
Protein change: p.Asp3435Tyr; replaces aspartic acid 3435 with tyrosine.
Molecular consequence: missense variant.
Genome position (GRCh38, 1-based): chr14:64,065,522, G>T. VCF-style: chr14-64065522-G-T. GRCh37 (hg19) VCF-style: chr14-64532240-G-T.
Other names: c.10303G>T, p.Asp3435Tyr (NM_015180.6); short protein forms D3435Y.
Identifiers: ClinVar variation 1461643 (VCV001461643.6), dbSNP rs931738357, ClinGen allele CA261848102.

ClinVar aggregate classification (germline): Uncertain significance (1 of 4 stars; one submission).

Conditions:
Emery-Dreifuss muscular dystrophy 5, autosomal dominant (EDMD5). Also called: EMERY-DREIFUSS MUSCULAR DYSTROPHY 5. Identifiers: Orphanet 261, MedGen C2751805, MONDO:0013072, OMIM 612999.

Allele frequency attached by ClinVar (database versions not stated): gnomAD 0.00001.
gnomAD v4.1: 2 of 1,614,010 alleles (0.00012%); highest among the groups gnomAD compares: Non-Finnish European, 0.000085%; no homozygotes.

Submission:

Labcorp Genetics (formerly Invitae), Labcorp
Classification: Uncertain significance for Emery-Dreifuss muscular dystrophy 5, autosomal dominant. Last evaluated: 2025-03-17. Review status: criteria provided, single submitter. Criteria: Invitae Variant Classification Sherloc (09022015). Collection method: clinical testing. Allele origin: germline.
Comment: This sequence change replaces aspartic acid, which is acidic and polar, with tyrosine, which is neutral and polar, at codon 3435 of the SYNE2 protein (p.Asp3435Tyr). This variant is not present in population databases (gnomAD no frequency). This variant has not been reported in the literature in individuals affected with SYNE2-related conditions. ClinVar contains an entry for this variant (Variation ID: 1461643). An algorithm developed to predict the effect of missense changes on protein structure and function (PolyPhen-2) suggests that this variant is likely to be disruptive. In summary, the available evidence is currently insufficient to determine the role of this variant in disease. Therefore, it has been classified as a Variant of Uncertain Significance.